The following is an entry in ClinVar:

NM_004100.5(EYA4):c.1467A>C (p.Lys489Asn)

Genes: TARID (TCF21 antisense RNA inducing promoter demethylation; minus strand), EYA4 (EYA transcriptional coactivator and phosphatase 4; plus strand). Cytogenetic location: 6q23.2.
Variant type: single nucleotide variant.
Coding change: c.1467A>C on transcript NM_004100.5 (MANE Select); coding-DNA position 1467, A replaced by C.
Protein change: p.Lys489Asn; replaces lysine 489 with asparagine.
Molecular consequence: missense variant.
Genome position (GRCh38, 1-based): chr6:133,513,004, A>C. VCF-style: chr6-133513004-A-C. GRCh37 (hg19) VCF-style: chr6-133834142-A-C.
Other names: c.1467A>C (NM_004100.4); c.1305A>C, p.Lys435Asn (NM_001301012.2); c.1485A>C, p.Lys495Asn (NM_001301013.2); c.1398A>C, p.Lys466Asn (NM_001370458.1, NM_172103.4); c.1323A>C, p.Lys441Asn (NM_001370459.1); c.1467A>C, p.Lys489Asn (NM_172105.4); short protein forms K441N, K435N, K466N, K495N, K489N.
Identifiers: ClinVar variation 2784436 (VCV002784436.4), dbSNP rs2535341580, ClinGen allele CA365715466.
Genomic context (GRCh38, chr6:133,513,004, plus strand): 5'-AGGTGTAAGAGGAGGGGTTGACTGGATGAGGAAGTTGGCTTTTCGTTACAGAAGAGTAAA[A>C]GAATTATATAACACCTACAAGAACAACGTTGGAGGTATGTGTGGCTTTTTCAATCTAACA-3'
Protein context (NP_004091.3, residues 479-499): RKLAFRYRRV[Lys489Asn]ELYNTYKNNV

ClinVar aggregate classification (germline): Uncertain significance. Review status: criteria provided, multiple submitters, no conflicts (2 of 4 stars). 2 submissions from 2 submitters: Uncertain significance (2). Last evaluated 2024-10-16.

Conditions:
Dilated cardiomyopathy 1J (CMD1J). Also called: CARDIOMYOPATHY, DILATED, WITH SENSORINEURAL HEARING LOSS, AUTOSOMAL DOMINANT. Identifiers: Orphanet 217622, MedGen C1854368, MONDO:0011541, OMIM 605362.

Allele frequency attached by ClinVar (database versions not stated): gnomAD exomes below 0.00001.
gnomAD v4.1: 3 of 1,614,136 alleles (0.00019%); highest among the groups gnomAD compares: Non-Finnish European, 0.00025%; no homozygotes.

Submissions (2):

GeneDx
Classification: Uncertain significance. Last evaluated: 2024-10-16. Review status: criteria provided, single submitter. Criteria: GeneDx Variant Classification Process June 2021. Collection method: clinical testing. Allele origin: germline. Affected: yes.
Comment: Not observed at significant frequency in large population cohorts (gnomAD); In silico analysis supports that this missense variant has a deleterious effect on protein structure/function; Has not been previously published as pathogenic or benign to our knowledge

Labcorp Genetics (formerly Invitae), Labcorp
Classification: Uncertain significance for Dilated cardiomyopathy 1J. Last evaluated: 2023-02-03. Review status: criteria provided, single submitter. Criteria: Invitae Variant Classification Sherloc (09022015). Collection method: clinical testing. Allele origin: germline.
Comment: Algorithms developed to predict the effect of missense changes on protein structure and function (SIFT, PolyPhen-2, Align-GVGD) all suggest that this variant is likely to be disruptive. In summary, the available evidence is currently insufficient to determine the role of this variant in disease. Therefore, it has been classified as a Variant of Uncertain Significance. This variant has not been reported in the literature in individuals affected with EYA4-related conditions. This variant is not present in population databases (gnomAD no frequency). This sequence change replaces lysine, which is basic and polar, with asparagine, which is neutral and polar, at codon 489 of the EYA4 protein (p.Lys489Asn).